The following is an entry in ClinVar:

NM_002474.3(MYH11):c.4426G>A (p.Ala1476Thr)

Genes: MYH11 (myosin heavy chain 11; minus strand), NDE1 (nudE neurodevelopment protein 1; plus strand). Cytogenetic location: 16p13.11.
Variant type: single nucleotide variant.
Coding change: c.4426G>A on transcript NM_002474.3 (MANE Select); coding-DNA position 4426, G replaced by A.
Protein change: p.Ala1476Thr; replaces alanine 1476 with threonine.
Molecular consequence: missense variant. On other transcripts: intron variant (2).
Genome position (GRCh38, 1-based): chr16:15,721,574, C>T on the plus strand (G>A on the coding strand, the complement: MYH11 is on the minus strand). VCF-style: chr16-15721574-C-T. GRCh37 (hg19) VCF-style: chr16-15815431-C-T.
Other names: c.4447G>A, p.Ala1483Thr (NM_001040113.2, NM_001040114.2); c.4426G>A, p.Ala1476Thr (NM_022844.3); c.948-2617C>T (NM_001143979.2, NM_017668.3); short protein forms A1476T, A1483T.
Identifiers: ClinVar variation 3387179 (VCV003387179.1).

ClinVar aggregate classification (germline): Uncertain significance (1 of 4 stars; one submission).

Conditions:
Familial thoracic aortic aneurysm and aortic dissection (TAAD). Also called: Thoracic aortic aneurysms and dissections. Identifiers: Orphanet 91387, MedGen C4707243, MONDO:0019625.

Submission:

All of Us Research Program, National Institutes of Health
Classification: Uncertain significance for Familial thoracic aortic aneurysm and aortic dissection. Last evaluated: 2024-02-22. Review status: criteria provided, single submitter. Criteria: ACMG Guidelines, 2015. Collection method: clinical testing. Allele origin: germline. Inheritance: Autosomal dominant inheritance. Observed: 1 variant allele, 1 heterozygote.
Comment: This missense variant replaces alanine with threonine at codon 1483 of the MYH11 protein. Computational prediction suggests that this variant may not impact protein structure and function (internally defined REVEL score threshold <= 0.5, PMID: 27666373). To our knowledge, functional studies have not been reported for this variant. This variant has not been reported in individuals affected with MYH11-related disorders in the literature. This variant has not been identified in the general population by the Genome Aggregation Database (gnomAD). The available evidence is insufficient to determine the role of this variant in disease conclusively. Therefore, this variant is classified as a Variant of Uncertain Significance.

This study involves interpretation of variants in research participants for the purpose of population health screening. Participant phenotype was not available at the time of variant classification. Additional details can be found in publication PMID: 35346344, PMCID: PMC8962531